The following is an entry in ClinVar:

ClinVar aggregate classification (germline): Uncertain significance. Review status: criteria provided, multiple submitters, no conflicts (2 of 4 stars). 2 submissions from 2 submitters: Uncertain significance (2). Last evaluated 2024-12-19.

Conditions:
Deficiency of phosphoserine phosphatase (PSPHD). Also called: PSPH deficiency; Phosphoserine phosphatase deficiency. Identifiers: Orphanet 79350, MedGen C1291463, MONDO:0013531, OMIM 614023.

Allele frequency attached by ClinVar (database versions not stated): gnomAD exomes 0.00001; ExAC 0.00002; TOPMed 0.00002; gnomAD 0.00003 and 0.00004; ESP Exome Variant Server 0.00008.
gnomAD v4.1: 44 of 1,613,388 alleles (0.0027%); highest among the groups gnomAD compares: Non-Finnish European, 0.0035%; no homozygotes.

Submissions (2):

GeneDx
Classification: Uncertain significance. Last evaluated: 2024-12-19. Review status: criteria provided, single submitter. Criteria: GeneDx Variant Classification Process June 2021. Collection method: clinical testing. Allele origin: germline. Affected: yes.
Comment: Not observed at significant frequency in large population cohorts (gnomAD); Has not been previously published as pathogenic or benign to our knowledge; In silico analysis is inconclusive as to whether the variant alters gene splicing. In the absence of RNA/functional studies, the actual effect of this sequence change is unknown.

Labcorp Genetics (formerly Invitae), Labcorp
Classification: Uncertain significance for Deficiency of phosphoserine phosphatase. Last evaluated: 2022-01-21. Review status: criteria provided, single submitter. Criteria: Invitae Variant Classification Sherloc (09022015). Collection method: clinical testing. Allele origin: germline.
Comment: In summary, the available evidence is currently insufficient to determine the role of this variant in disease. Therefore, it has been classified as a Variant of Uncertain Significance. Variants that disrupt the consensus splice site are a relatively common cause of aberrant splicing (PMID: 17576681, 9536098). Algorithms developed to predict the effect of sequence changes on RNA splicing suggest that this variant may disrupt the consensus splice site. This variant has not been reported in the literature in individuals affected with PSPH-related conditions. This variant is present in population databases (rs373367280, gnomAD 0.002%). This sequence change falls in intron 7 of the PSPH gene. It does not directly change the encoded amino acid sequence of the PSPH protein. It affects a nucleotide within the consensus splice site.

Literature cited by the submitters: PubMed 17576681 (cited by Labcorp Genetics (formerly Invitae), Labcorp); PubMed 9536098 (cited by Labcorp Genetics (formerly Invitae), Labcorp).

NM_004577.4(PSPH):c.570+5G>C

Gene: PSPH (phosphoserine phosphatase; minus strand). Cytogenetic location: 7p11.2.
Variant type: single nucleotide variant.
Coding change: c.570+5G>C on transcript NM_004577.4 (MANE Select); 5 bases into the intron after coding-DNA position 570, G replaced by C.
Molecular consequence: intron variant.
Genome position (GRCh38, 1-based): chr7:56,015,018, C>G on the plus strand (G>C on the coding strand, the complement: PSPH is on the minus strand). VCF-style: chr7-56015018-C-G. GRCh37 (hg19) VCF-style: chr7-56082711-C-G.
Other names: c.570+5G>C (NM_001370513.1, NM_001370514.1, NM_001370509.1 and 17 more transcripts).
Identifiers: ClinVar variation 1524447 (VCV001524447.7), dbSNP rs373367280, ClinGen allele CA4268615.
Genomic context (GRCh38, chr7:56,015,018, plus strand): 5'-AATAATAAATAAATAAATAAAACAAAAGTACAACCTGAAAAAAAATTAGCACCCTTAATA[C>G]ATACAGCAGGAGGACAGGCTTCCATATCTGTGGCACCATCTCCAATCATGATTATTTTCT-3'